The following is an entry in ClinVar:

NM_000038.6(APC):c.6971C>G (p.Pro2324Arg)

Gene: APC (APC regulator of Wnt signaling pathway; plus strand). Cytogenetic location: 5q22.2.
Variant type: single nucleotide variant.
Coding change: c.6971C>G on transcript NM_000038.6 (MANE Select); coding-DNA position 6971, C replaced by G.
Protein change: p.Pro2324Arg; replaces proline 2324 with arginine.
Molecular consequence: missense variant.
Genome position (GRCh38, 1-based): chr5:112,842,565, C>G. VCF-style: chr5-112842565-C-G. GRCh37 (hg19) VCF-style: chr5-112178262-C-G.
Other names: c.6971C>G, p.Pro2324Arg (NM_001127510.3, NM_001354895.2); c.6917C>G, p.Pro2306Arg (NM_001127511.3); c.7025C>G, p.Pro2342Arg (NM_001354896.2); c.7001C>G, p.Pro2334Arg (NM_001354897.2); c.6896C>G, p.Pro2299Arg (NM_001354898.2); c.6887C>G, p.Pro2296Arg (NM_001354899.2); c.6848C>G, p.Pro2283Arg (NM_001354900.2); c.6794C>G, p.Pro2265Arg (NM_001354901.2); and 5 more; short protein forms P2041R, P2164R, P2198R, P2223R, P2233R, P2265R, P2283R, P2296R.
Identifiers: ClinVar variation 1053370 (VCV001053370.52), dbSNP rs1488475843, ClinGen allele CA16036532.
Genomic context (GRCh38, chr5:112,842,565, plus strand): 5'-CTAGAGATTCGACCCCTTCAAGACCTGCCCAGCAACCATTAAGTAGACCTATACAGTCTC[C>G]TGGCCGAAACTCAATTTCCCCTGGTAGAAATGGAATAAGTCCTCCTAACAAATTATCTCA-3'
Protein context (NP_000029.2, residues 2314-2334): QQPLSRPIQS[Pro2324Arg]GRNSISPGRN

ClinVar aggregate classification (germline): Uncertain significance. Review status: criteria provided, multiple submitters, no conflicts (2 of 4 stars). 4 submissions from 4 submitters: Uncertain significance (4). Last evaluated 2025-04-23.

Conditions:
Hereditary cancer-predisposing syndrome. Also called: Hereditary Cancer Syndrome; Tumor predisposition; Hereditary neoplastic syndrome; Neoplastic Syndromes, Hereditary. Identifiers: Orphanet 140162, MedGen C0027672, MeSH D009386, MONDO:0015356.
Familial adenomatous polyposis 1 (FAP1). Also called: POLYPOSIS, ADENOMATOUS INTESTINAL; FAMILIAL ADENOMATOUS POLYPOSIS 1, ATTENUATED. Identifiers: MedGen C2713442, MONDO:0021056, OMIM 175100. Disease mechanism: loss of function.

Submissions (4):

Labcorp Genetics (formerly Invitae), Labcorp
Classification: Uncertain significance for Familial adenomatous polyposis 1. Last evaluated: 2025-04-23. Review status: criteria provided, single submitter. Criteria: Invitae Variant Classification Sherloc (09022015). Collection method: clinical testing. Allele origin: germline.
Comment: This sequence change replaces proline, which is neutral and non-polar, with arginine, which is basic and polar, at codon 2324 of the APC protein (p.Pro2324Arg). This variant is not present in population databases (gnomAD no frequency). This variant has not been reported in the literature in individuals affected with APC-related conditions. ClinVar contains an entry for this variant (Variation ID: 1053370). Invitae Evidence Modeling of protein sequence and biophysical properties (such as structural, functional, and spatial information, amino acid conservation, physicochemical variation, residue mobility, and thermodynamic stability) indicates that this missense variant is not expected to disrupt APC protein function with a negative predictive value of 95%. In summary, the available evidence is currently insufficient to determine the role of this variant in disease. Therefore, it has been classified as a Variant of Uncertain Significance.

Ambry Genetics
Classification: Uncertain significance for Hereditary cancer-predisposing syndrome. Last evaluated: 2024-04-18. Review status: criteria provided, single submitter. Criteria: Ambry Variant Classification Scheme 2023. Collection method: clinical testing. Allele origin: germline.
Comment: The p.P2324R variant (also known as c.6971C>G), located in coding exon 15 of the APC gene, results from a C to G substitution at nucleotide position 6971. The proline at codon 2324 is replaced by arginine, an amino acid with dissimilar properties. This amino acid position is highly conserved in available vertebrate species. In addition, in silico predictors for this gene do not accurately predict pathogenicity. Missense alterations in APC are not a common cause of disease (Spier I et al. Genet Med. 2024 Feb;26(2):100992). Since supporting evidence is limited at this time, the clinical significance of this alteration remains unclear.

Blueprint Genetics
Classification: Uncertain significance. Last evaluated: 2023-09-15. Review status: criteria provided, single submitter. Criteria: ACMG Guidelines, 2015. Collection method: clinical testing. Allele origin: germline.

Baylor Genetics
Classification: Uncertain significance for Familial adenomatous polyposis 1. Last evaluated: 2023-07-03. Review status: criteria provided, single submitter. Criteria: ACMG Guidelines, 2015. Collection method: clinical testing. Allele origin: unknown.